The following is an entry in ClinVar:

NM_000059.4(BRCA2):c.5874T>G (p.Cys1958Trp)

Gene: BRCA2 (BRCA2 DNA repair associated; plus strand). Cytogenetic location: 13q13.1.
Variant type: single nucleotide variant.
Coding change: c.5874T>G on transcript NM_000059.4 (MANE Select); coding-DNA position 5874, T replaced by G.
Protein change: p.Cys1958Trp; replaces cysteine 1958 with tryptophan.
Molecular consequence: missense variant.
Genome position (GRCh38, 1-based): chr13:32,340,229, T>G. VCF-style: chr13-32340229-T-G. GRCh37 (hg19) VCF-style: chr13-32914366-T-G.
Other names: short protein forms C1958W.
Identifiers: ClinVar variation 826026 (VCV000826026.6), dbSNP rs1593906771, ClinGen allele CA387787444.

ClinVar aggregate classification (germline): Conflicting classifications of pathogenicity. Review status: criteria provided, conflicting classifications (1 of 4 stars). 2 submissions from 2 submitters: Uncertain significance (1); Likely benign (1). Last evaluated 2023-03-23.

Conditions:
Hereditary cancer-predisposing syndrome. Also called: Neoplastic Syndromes, Hereditary; Tumor predisposition; Hereditary neoplastic syndrome; Hereditary Cancer Syndrome. Identifiers: Orphanet 140162, MedGen C0027672, MeSH D009386, MONDO:0015356.

Submissions (2):

University of Washington Department of Laboratory Medicine, University of Washington
Classification: Likely benign for Hereditary cancer-predisposing syndrome. Last evaluated: 2023-03-23. Review status: criteria provided, single submitter. Criteria: Dines et al. (Genet Med. 2020). Collection method: curation. Allele origin: germline.
Comment: Missense variant in a coldspot region where missense variants are very unlikely to be pathogenic (PMID:31911673).

BRCA2 exon 11 coldspot. Reclassification based on statistical prior probability.

Ambry Genetics
Classification: Uncertain significance for Hereditary cancer-predisposing syndrome. Last evaluated: 2019-10-22. Review status: criteria provided, single submitter. Criteria: Ambry Variant Classification Scheme 2023. Collection method: clinical testing. Allele origin: germline.
Comment: The p.C1958W variant (also known as c.5874T>G), located in coding exon 10 of the BRCA2 gene, results from a T to G substitution at nucleotide position 5874. The cysteine at codon 1958 is replaced by tryptophan, an amino acid with highly dissimilar properties. This amino acid position is not well conserved in available vertebrate species. In addition, this alteration is predicted to be tolerated by in silico analysis. Since supporting evidence is limited at this time, the clinical significance of this alteration remains unclear.